The following is an entry in ClinVar:

ClinVar aggregate classification (germline): Uncertain significance (1 of 4 stars; one submission).

Allele frequency attached by ClinVar (database versions not stated): gnomAD exomes 0.00001; ExAC 0.00002.
gnomAD v4.1: 4 of 1,611,894 alleles (0.00025%); highest among the groups gnomAD compares: Admixed American, 0.005%; no homozygotes.

Submission:

Labcorp Genetics (formerly Invitae), Labcorp
Classification: Uncertain significance. Last evaluated: 2022-07-01. Review status: criteria provided, single submitter. Criteria: Invitae Variant Classification Sherloc (09022015). Collection method: clinical testing. Allele origin: germline.
Comment: In summary, the available evidence is currently insufficient to determine the role of this variant in disease. Therefore, it has been classified as a Variant of Uncertain Significance. Experimental studies and prediction algorithms are not available or were not evaluated, and the functional significance of this variant is currently unknown. This variant has not been reported in the literature in individuals affected with MAP3K20-related conditions. This variant is present in population databases (rs759921612, gnomAD 0.01%). This sequence change replaces glutamic acid, which is acidic and polar, with lysine, which is basic and polar, at codon 772 of the MAP3K20 protein (p.Glu772Lys).

NM_016653.3(MAP3K20):c.2314G>A (p.Glu772Lys)

Genes: MAP3K20 (mitogen-activated protein kinase kinase kinase 20; plus strand), MAP3K20-AS1 (MAP3K20 antisense RNA 1; minus strand). Cytogenetic location: 2q31.1.
Variant type: single nucleotide variant.
Coding change: c.2314G>A on transcript NM_016653.3 (MANE Select); coding-DNA position 2314, G replaced by A.
Protein change: p.Glu772Lys; replaces glutamic acid 772 with lysine.
Molecular consequence: missense variant.
Genome position (GRCh38, 1-based): chr2:173,266,661, G>A. VCF-style: chr2-173266661-G-A. GRCh37 (hg19) VCF-style: chr2-174131389-G-A.
Other names: short protein forms E772K.
Identifiers: ClinVar variation 1975294 (VCV001975294.5), dbSNP rs759921612, ClinGen allele CA1971071.